The following is an entry in ClinVar:

NM_001267550.2(TTN):c.52783T>G (p.Phe17595Val)

Genes: TTN (titin; minus strand), TTN-AS1 (TTN antisense RNA 1; plus strand), LOC126806425 (BRD4-independent group 4 enhancer GRCh37_chr2:179471933-179473132; plus strand). Cytogenetic location: 2q31.2.
Variant type: single nucleotide variant.
Coding change: c.52783T>G on transcript NM_001267550.2 (MANE Select); coding-DNA position 52783, T replaced by G.
Protein change: p.Phe17595Val; replaces phenylalanine 17595 with valine.
Molecular consequence: missense variant.
Genome position (GRCh38, 1-based): chr2:178,608,004, A>C on the plus strand (T>G on the coding strand, the complement: TTN is on the minus strand). VCF-style: chr2-178608004-A-C. GRCh37 (hg19) VCF-style: chr2-179472731-A-C.
Other names: c.47860T>G, p.Phe15954Val (NM_001256850.1); c.25588T>G, p.Phe8530Val (NM_003319.4); c.45079T>G, p.Phe15027Val (NM_133378.4); c.25963T>G, p.Phe8655Val (NM_133432.3); c.26164T>G, p.Phe8722Val (NM_133437.4); short protein forms F15027V, F15954V, F17595V, F8530V, F8655V, F8722V.
Identifiers: ClinVar variation 3027224 (VCV003027224.22), dbSNP rs868539342, ClinGen allele CA60982734.

ClinVar aggregate classification (germline): Uncertain significance (1 of 4 stars; one submission).

Allele frequency attached by ClinVar (database versions not stated): gnomAD exomes below 0.00001.
gnomAD v4.1: 1 of 1,612,874 alleles (0.000062%); highest among the groups gnomAD compares: Non-Finnish European, 0.000085%; no homozygotes.

Submission:

CeGaT Center for Human Genetics Tuebingen
Classification: Uncertain significance. Last evaluated: 2024-02-01. Review status: criteria provided, single submitter. Criteria: CeGaT Center For Human Genetics Tuebingen Variant Classification Criteria Version 2. Collection method: clinical testing. Allele origin: germline. Affected: yes. Observed: 1 variant allele.
Comment: TTN: PM2